The following is an entry in ClinVar:

ClinVar aggregate classification (germline): Likely benign. Review status: criteria provided, multiple submitters, no conflicts (2 of 4 stars). 4 submissions from 4 submitters: Likely benign (4). Last evaluated 2025-12-11.

Allele frequency attached by ClinVar (database versions not stated): gnomAD exomes 0.00006 and 0.00007; ExAC 0.00009; ESP Exome Variant Server 0.00009.
gnomAD v4.1: 76 of 1,208,919 alleles (0.0063%); highest among the groups gnomAD compares: Middle Eastern, 0.029%; no homozygotes.

Submissions (4):

Women's Health and Genetics/Laboratory Corporation of America, LabCorp
Classification: Likely benign. Last evaluated: 2025-12-11. Review status: criteria provided, single submitter. Criteria: LabCorp Variant Classification Summary - May 2015. Collection method: clinical testing. Allele origin: germline.

Labcorp Genetics (formerly Invitae), Labcorp
Classification: Likely benign. Last evaluated: 2025-09-24. Review status: criteria provided, single submitter. Criteria: Invitae Variant Classification Sherloc (09022015). Collection method: clinical testing. Allele origin: germline.

CeGaT Center for Human Genetics Tuebingen
Classification: Likely benign. Last evaluated: 2025-04-01. Review status: criteria provided, single submitter. Criteria: CeGaT Center For Human Genetics Tuebingen Variant Classification Criteria Version 2. Collection method: clinical testing. Allele origin: germline. Affected: yes. Observed: 1 variant allele.
Comment: BCAP31: BP4, BP7, BS2

Breakthrough Genomics
Classification: Likely benign. Review status: criteria provided, single submitter. Criteria: ACMG Guidelines, 2015. Collection method: not provided. Allele origin: germline. Inheritance: X-linked inheritance. Affected: yes.

NM_001256447.2(BCAP31):c.594T>C (p.Thr198=)

Gene: BCAP31 (B cell receptor associated protein 31; minus strand). Cytogenetic location: Xq28.
Variant type: single nucleotide variant.
Coding change: c.594T>C on transcript NM_001256447.2 (MANE Select); coding-DNA position 594, T replaced by C.
Protein change: p.Thr198=; no amino-acid change (threonine 198 retained).
Molecular consequence: synonymous variant.
Genome position (GRCh38, 1-based): chrX:153,702,942, A>G on the plus strand (T>C on the coding strand, the complement: BCAP31 is on the minus strand). VCF-style: chrX-153702942-A-G. GRCh37 (hg19) VCF-style: chrX-152968397-A-G.
Other names: c.594T>C, p.Thr198= (NM_001139441.1, NM_005745.8); c.795T>C, p.Thr265= (NM_001139457.2).
Identifiers: ClinVar variation 1503779 (VCV001503779.18), dbSNP rs148285908, ClinGen allele CA10549742.
Genomic context (GRCh38, chrX:153,702,942, plus strand): 5'-GAGGAGGCTCCTCTGGACTTCCCTGCGGGGAAGGACACGAGGTCGAGCCTCACTTTGCTT[A>G]GTGCTGGCCAGCTCGTCCTTTAGCTTCTGCAGGTCAGCCTTCAGGCTCCTGTTCTCTTCC-3'
Protein context (NP_001243376.1, residues 188-208): LQKLKDELAS[Thr198=]KQKLEKAENQ